The following is an entry in ClinVar:

NM_019892.6(INPP5E):c.874C>T (p.Arg292Cys)

Gene: INPP5E (inositol polyphosphate-5-phosphatase E; minus strand). Cytogenetic location: 9q34.3.
Variant type: single nucleotide variant.
Coding change: c.874C>T on transcript NM_019892.6 (MANE Select); coding-DNA position 874, C replaced by T.
Protein change: p.Arg292Cys; replaces arginine 292 with cysteine.
Molecular consequence: missense variant.
Genome position (GRCh38, 1-based): chr9:136,434,802, G>A on the plus strand (C>T on the coding strand, the complement: INPP5E is on the minus strand). VCF-style: chr9-136434802-G-A. GRCh37 (hg19) VCF-style: chr9-139329254-G-A.
Other names: c.874C>T (NM_019892.5); c.874C>T, p.Arg292Cys (NM_001318502.2); short protein forms R292C.
Identifiers: ClinVar variation 1939916 (VCV001939916.10), dbSNP rs753742613, ClinGen allele CA375565914.

ClinVar aggregate classification (germline): Conflicting classifications of pathogenicity. Review status: criteria provided, conflicting classifications (1 of 4 stars). 5 submissions from 5 submitters: Likely pathogenic (1); Uncertain significance (4). Last evaluated 2025-12-20.

Conditions:
MORM syndrome (MORMS). Identifiers: Orphanet 75858, MedGen C1857802, MONDO:0012423, OMIM 610156.
Joubert syndrome 1 (JBTS1). Also called: Cerebellooculorenal syndrome 1; CEREBELLOPARENCHYMAL DISORDER IV. Identifiers: MedGen C4551568, MONDO:0008944, OMIM 213300.
Joubert syndrome. Also called: Familial aplasia of the vermis; JOUBERT-BOLTSHAUSER SYNDROME. Identifiers: Orphanet 475, MedGen C5979921, MONDO:0018772.
INPP5E-related disorder. Also called: INPP5E-related condition.

Submissions (5):

Labcorp Genetics (formerly Invitae), Labcorp
Classification: Likely pathogenic for Joubert syndrome. Last evaluated: 2025-12-20. Review status: criteria provided, single submitter. Criteria: Invitae Variant Classification Sherloc (09022015). Collection method: clinical testing. Allele origin: germline.
Comment: This sequence change replaces arginine, which is basic and polar, with cysteine, which is neutral and slightly polar, at codon 292 of the INPP5E protein (p.Arg292Cys). This variant is not present in population databases (gnomAD no frequency). This variant has not been reported in the literature in individuals affected with INPP5E-related conditions. ClinVar contains an entry for this variant (Variation ID: 1939916). Invitae Evidence Modeling of protein sequence and biophysical properties (such as structural, functional, and spatial information, amino acid conservation, physicochemical variation, residue mobility, and thermodynamic stability) indicates that this missense variant is expected to disrupt INPP5E protein function with a positive predictive value of 80%. This variant disrupts the p.Arg292 amino acid residue in INPP5E. Other variant(s) that disrupt this residue have been determined to be pathogenic (PMID: 28559085; internal data). This suggests that this residue is clinically significant, and that variants that disrupt this residue are likely to be disease-causing. In summary, the currently available evidence indicates that the variant is pathogenic, but additional data are needed to prove that conclusively. Therefore, this variant has been classified as Likely Pathogenic.

PreventionGenetics, part of Exact Sciences
Classification: Uncertain significance for INPP5E-related condition. Last evaluated: 2025-06-16. Review status: criteria provided, single submitter. Criteria: ACMG Guidelines, 2015. Collection method: clinical testing. Allele origin: germline.
Comment: The INPP5E c.874C>T variant is predicted to result in the amino acid substitution p.Arg292Cys. This variant has not been reported in the literature; however, different variants affecting the same amino acid (p.Arg292Gly, p.Arg292His) have been reported in individuals with retinal disease (Stone et al. 2017. PubMed ID: 28559085). This variant has not been reported in gnomAD, indicating this variant is rare. Although we suspect that this variant may be pathogenic, at this time, the clinical significance of this variant is uncertain due to the absence of conclusive functional and genetic evidence.

Fulgent Genetics
Classification: Uncertain significance for Joubert syndrome 1; MORM syndrome. Last evaluated: 2024-06-06. Review status: criteria provided, single submitter. Criteria: ACMG Guidelines, 2015. Collection method: clinical testing. Allele origin: germline.

Women's Health and Genetics/Laboratory Corporation of America, LabCorp
Classification: Uncertain significance. Last evaluated: 2024-05-30. Review status: criteria provided, single submitter. Criteria: LabCorp Variant Classification Summary - May 2015. Collection method: clinical testing. Allele origin: germline.
Comment: Variant summary: INPP5E c.874C>T (p.Arg292Cys) results in a non-conservative amino acid change in the encoded protein sequence. Five of five in-silico tools predict a damaging effect of the variant on protein function. The variant was absent in 245748 control chromosomes. The available data on variant occurrences in the general population are insufficient to allow any conclusion about variant significance. To our knowledge, no occurrence of c.874C>T in individuals affected with Joubert Syndrome And Related Disorders and no experimental evidence demonstrating its impact on protein function have been reported. ClinVar contains an entry for this variant (Variation ID: 1939916). Based on the evidence outlined above, the variant was classified as uncertain significance.

Blueprint Genetics
Classification: Uncertain significance. Last evaluated: 2020-01-13. Review status: criteria provided, single submitter. Criteria: ACMG Guidelines, 2015. Collection method: clinical testing. Allele origin: germline.

Literature cited by the submitters: PubMed 28559085 (cited by Labcorp Genetics (formerly Invitae), Labcorp).